The following is an entry in ClinVar:

ClinVar aggregate classification (germline): Uncertain significance. Review status: criteria provided, multiple submitters, no conflicts (2 of 4 stars). 4 submissions from 4 submitters: Uncertain significance (3). 1 of the submissions does not count toward it. Last evaluated 2025-11-05.

Conditions:
Combined malonic and methylmalonic acidemia. Identifiers: Orphanet 289504, MedGen C3280314, MONDO:0013661, OMIM 614265.
Methylmalonic acidemia (MMA). Also called: Isolated Methylmalonic Acidemia. Identifiers: MedGen C0268583, MeSH C537358, MONDO:0002012, HP:0002912.

Allele frequency attached by ClinVar (database versions not stated): gnomAD exomes 0.00001; ExAC 0.00002.
gnomAD v4.1: 13 of 1,613,624 alleles (0.00081%); highest among the groups gnomAD compares: South Asian, 0.0011%; no homozygotes.

Submissions (4):

GeneDx
Classification: Uncertain significance. Last evaluated: 2025-11-05. Review status: criteria provided, single submitter. Criteria: GeneDx Variant Classification Process June 2021. Collection method: clinical testing. Allele origin: germline. Affected: yes.
Comment: Not observed at significant frequency in large population cohorts (gnomAD); In silico analysis supports that this missense variant has a deleterious effect on protein structure/function; Has not been previously published as pathogenic or benign to our knowledge

Mayo Clinic Laboratories, Mayo Clinic
Classification: Uncertain significance. Last evaluated: 2025-06-13. Review status: criteria provided, single submitter. Criteria: ACMG Guidelines, 2015. Collection method: clinical testing. Allele origin: germline. Observed: 2 variant alleles.
Comment: BP4

Labcorp Genetics (formerly Invitae), Labcorp
Classification: Uncertain significance for Combined malonic and methylmalonic acidemia. Last evaluated: 2022-07-27. Review status: criteria provided, single submitter. Criteria: Invitae Variant Classification Sherloc (09022015). Collection method: clinical testing. Allele origin: germline.
Comment: This sequence change replaces valine, which is neutral and non-polar, with glycine, which is neutral and non-polar, at codon 60 of the ACSF3 protein (p.Val60Gly). This variant is present in population databases (rs780402535, gnomAD 0.002%). This variant has not been reported in the literature in individuals affected with ACSF3-related conditions. ClinVar contains an entry for this variant (Variation ID: 990420). Advanced modeling of protein sequence and biophysical properties (such as structural, functional, and spatial information, amino acid conservation, physicochemical variation, residue mobility, and thermodynamic stability) performed at Invitae indicates that this missense variant is expected to disrupt ACSF3 protein function. Algorithms developed to predict the effect of sequence changes on RNA splicing suggest that this variant may create or strengthen a splice site. In summary, the available evidence is currently insufficient to determine the role of this variant in disease. Therefore, it has been classified as a Variant of Uncertain Significance.

Natera, Inc.
Classification: Uncertain significance for Methylmalonic acidemia. Last evaluated: 2020-09-10. Review status: no assertion criteria provided. Collection method: clinical testing. Allele origin: germline. Not counted in ClinVar's aggregate classification.

NM_001243279.3(ACSF3):c.179T>G (p.Val60Gly)

Gene: ACSF3 (acyl-CoA synthetase family member 3; plus strand). Cytogenetic location: 16q24.3.
Variant type: single nucleotide variant.
Coding change: c.179T>G on transcript NM_001243279.3 (MANE Select); coding-DNA position 179, T replaced by G.
Protein change: p.Val60Gly; replaces valine 60 with glycine.
Molecular consequence: missense variant. On other transcripts: non-coding transcript variant (3), intron variant (1).
Genome position (GRCh38, 1-based): chr16:89,100,860, T>G. VCF-style: chr16-89100860-T-G. GRCh37 (hg19) VCF-style: chr16-89167268-T-G.
Other names: p.Val60Gly; c.179T>G, p.Val60Gly (NM_001127214.4, NM_174917.5); c.-129-1744T>G (NM_001284316.2); c.179T>G (NM_174917.3); short protein forms V60G.
Identifiers: ClinVar variation 990420 (VCV000990420.5), dbSNP rs780402535, ClinGen allele CA8237564.
Genomic context (GRCh38, chr16:89,100,860, plus strand): 5'-CGGACAGGAGCGCCCCGGTGTTCACCCGTGCCCTGGCCTTTGGGGACAGAATCGCCCTGG[T>G]TGACCAGCACGGCCGCCACACGTACAGGGAGCTTTATTCCCGCAGCCTTCGCCTGTCCCA-3'
Protein context (NP_001230208.1, residues 50-70): ALAFGDRIAL[Val60Gly]DQHGRHTYRE